The following is an entry in ClinVar:

ClinVar aggregate classification (germline): Benign/Likely benign. Review status: criteria provided, multiple submitters, no conflicts (2 of 4 stars). 2 submissions from 2 submitters: Benign (1); Likely benign (1). Last evaluated 2026-08-18.

Conditions:
Hereditary cancer-predisposing syndrome. Also called: Hereditary neoplastic syndrome; Neoplastic Syndromes, Hereditary; Tumor predisposition; Hereditary Cancer Syndrome. Identifiers: Orphanet 140162, MedGen C0027672, MeSH D009386, MONDO:0015356.
DICER1-related tumor predisposition. Also called: DICER1-related pleuropulmonary blastoma cancer predisposition syndrome; DICER1 syndrome. Identifiers: Orphanet 284343, MedGen C3839822, MONDO:0100216.

Submissions (2):

Myriad Genetics, Inc.
Classification: Benign for DICER1-related tumor predisposition. Last evaluated: 2026-08-18. Review status: criteria provided, single submitter. Criteria: Myriad Autosomal Dominant, Autosomal Recessive and X-Linked Classification Criteria (2023). Collection method: clinical testing. Allele origin: unknown.
Comment: This variant is considered benign. This variant is a silent/synonymous amino acid change and it is not expected to impact splicing.

Ambry Genetics
Classification: Likely benign for Hereditary cancer-predisposing syndrome. Last evaluated: 2022-06-13. Review status: criteria provided, single submitter. Criteria: Ambry Variant Classification Scheme 2023. Collection method: clinical testing. Allele origin: germline.

NM_177438.3(DICER1):c.3864G>A (p.Arg1288=)

Gene: DICER1 (dicer 1, ribonuclease III; minus strand). Cytogenetic location: 14q32.13.
Variant type: single nucleotide variant.
Coding change: c.3864G>A on transcript NM_177438.3 (MANE Select); coding-DNA position 3864, G replaced by A.
Protein change: p.Arg1288=; no amino-acid change (arginine 1288 retained).
Molecular consequence: synonymous variant. On other transcripts: non-coding transcript variant (6).
Genome position (GRCh38, 1-based): chr14:95,103,532, C>T on the plus strand (G>A on the coding strand, the complement: DICER1 is on the minus strand). VCF-style: chr14-95103532-C-T. GRCh37 (hg19) VCF-style: chr14-95569869-C-T.
Other names: c.3864G>A, p.Arg1288= (NM_001195573.1, NM_001271282.3, NM_001291628.2 and 13 more transcripts); c.3582G>A, p.Arg1194= (NM_001395686.1); c.3459G>A, p.Arg1153= (NM_001395687.1, NM_001395688.1, NM_001395689.1 and 2 more transcripts); c.3297G>A, p.Arg1099= (NM_001395691.1); c.2181G>A, p.Arg727= (NM_001395697.1).
Identifiers: ClinVar variation 1735633 (VCV001735633.3), dbSNP rs2542692123, ClinGen allele CA487844402.